The following is an entry in ClinVar:

NM_013275.6(ANKRD11):c.1777A>G (p.Arg593Gly)

Gene: ANKRD11 (ankyrin repeat domain containing 11; minus strand). Cytogenetic location: 16q24.3.
Variant type: single nucleotide variant.
Coding change: c.1777A>G on transcript NM_013275.6 (MANE Select); coding-DNA position 1777, A replaced by G.
Protein change: p.Arg593Gly; replaces arginine 593 with glycine.
Molecular consequence: missense variant.
Genome position (GRCh38, 1-based): chr16:89,284,765, T>C on the plus strand (A>G on the coding strand, the complement: ANKRD11 is on the minus strand). VCF-style: chr16-89284765-T-C. GRCh37 (hg19) VCF-style: chr16-89351173-T-C.
Other names: c.1777A>G, p.Arg593Gly (NM_001256182.2, NM_001256183.2); short protein forms R593G.
Identifiers: ClinVar variation 1310517 (VCV001310517.2), dbSNP rs2151762762, ClinGen allele CA397164004.

ClinVar aggregate classification (germline): Uncertain significance (1 of 4 stars; one submission).

Submission:

GeneDx
Classification: Uncertain significance. Last evaluated: 2020-01-08. Review status: criteria provided, single submitter. Criteria: GeneDx Variant Classification Process June 2021. Collection method: clinical testing. Allele origin: germline. Affected: yes.
Comment: Not observed in large population cohorts (Lek et al., 2016); In silico analysis, which includes protein predictors and evolutionary conservation, supports a deleterious effect; Has not been previously published as pathogenic or benign to our knowledge